The following is an entry in ClinVar:

NM_031935.3(HMCN1):c.824A>C (p.His275Pro)

Gene: HMCN1 (hemicentin 1; plus strand). Cytogenetic location: 1q31.1.
Variant type: single nucleotide variant.
Coding change: c.824A>C on transcript NM_031935.3 (MANE Select); coding-DNA position 824, A replaced by C.
Protein change: p.His275Pro; replaces histidine 275 with proline.
Molecular consequence: missense variant.
Genome position (GRCh38, 1-based): chr1:185,911,704, A>C. VCF-style: chr1-185911704-A-C. GRCh37 (hg19) VCF-style: chr1-185880836-A-C.
Other names: c.824A>C (NM_031935.2); short protein forms H275P.
Identifiers: ClinVar variation 1523407 (VCV001523407.7), dbSNP rs368798833, ClinGen allele CA1290958.

ClinVar aggregate classification (germline): Uncertain significance. Review status: criteria provided, multiple submitters, no conflicts (2 of 4 stars). 2 submissions from 2 submitters: Uncertain significance (2). Last evaluated 2025-08-28.

Allele frequency attached by ClinVar (database versions not stated): ExAC 0.00001; gnomAD 0.00002; TOPMed 0.00003; ESP Exome Variant Server 0.00008.
gnomAD v4.1: 43 of 1,613,296 alleles (0.0027%); highest among the groups gnomAD compares: Non-Finnish European, 0.0034%; no homozygotes.

Submissions (2):

Labcorp Genetics (formerly Invitae), Labcorp
Classification: Uncertain significance. Last evaluated: 2025-08-28. Review status: criteria provided, single submitter. Criteria: Invitae Variant Classification Sherloc (09022015). Collection method: clinical testing. Allele origin: germline.
Comment: This sequence change replaces histidine, which is basic and polar, with proline, which is neutral and non-polar, at codon 275 of the HMCN1 protein (p.His275Pro). This variant is present in population databases (rs368798833, gnomAD 0.004%). This variant has not been reported in the literature in individuals affected with HMCN1-related conditions. ClinVar contains an entry for this variant (Variation ID: 1523407). An algorithm developed to predict the effect of missense changes on protein structure and function (PolyPhen-2) suggests that this variant is likely to be tolerated. In summary, the available evidence is currently insufficient to determine the role of this variant in disease. Therefore, it has been classified as a Variant of Uncertain Significance.

Ambry Genetics
Classification: Uncertain significance. Last evaluated: 2025-05-21. Review status: criteria provided, single submitter. Criteria: Ambry Variant Classification Scheme 2023. Collection method: clinical testing. Allele origin: germline.